The following is an entry in ClinVar:

NM_001195597.2(SMLR1):c.301del (p.Tyr101fs)

Gene: SMLR1 (small leucine rich protein 1; plus strand). Cytogenetic location: 6q23.1.
Variant type: Deletion.
Coding change: c.301del on transcript NM_001195597.2 (MANE Select); coding-DNA position 301, one base deleted (T; older notation c.301delT).
Protein change: p.Tyr101fs; shifts the reading frame from tyrosine 101.
Molecular consequence: frameshift variant.
Genome position (GRCh38, 1-based): chr6:130,834,932, T deleted. VCF-style (leftmost placement, unchanged base first): chr6-130834931-GT-G. GRCh37 (hg19) VCF-style: chr6-131156071-GT-G.
Other names: short protein forms Y101fs.
Identifiers: ClinVar variation 2656910 (VCV002656910.24), dbSNP rs765201462, ClinGen allele CA3997690.

ClinVar aggregate classification (germline): Likely benign (1 of 4 stars; one submission).

Allele frequency attached by ClinVar (database versions not stated): 1000 Genomes Project 30x 0.00062; TOPMed 0.00163; gnomAD 0.00241; ExAC 0.00244; gnomAD exomes 0.00280.

Submission:

CeGaT Center for Human Genetics Tuebingen
Classification: Likely benign. Last evaluated: 2023-01-01. Review status: criteria provided, single submitter. Criteria: CeGaT Center For Human Genetics Tuebingen Variant Classification Criteria Version 2. Collection method: clinical testing. Allele origin: germline. Affected: yes. Observed: 1 variant allele.
Comment: SMLR1: BS2